The following is an entry in ClinVar:

ClinVar aggregate classification (germline): Uncertain significance. Review status: criteria provided, multiple submitters, no conflicts (2 of 4 stars). 2 submissions from 2 submitters: Uncertain significance (2). Last evaluated 2025-08-27.

Allele frequency attached by ClinVar (database versions not stated): gnomAD exomes 0.00001; ExAC 0.00002; ESP Exome Variant Server 0.00008; TOPMed 0.00011; gnomAD 0.00013.

Submissions (2):

Labcorp Genetics (formerly Invitae), Labcorp
Classification: Uncertain significance. Last evaluated: 2025-08-27. Review status: criteria provided, single submitter. Criteria: Invitae Variant Classification Sherloc (09022015). Collection method: clinical testing. Allele origin: germline.
Comment: This sequence change replaces proline, which is neutral and non-polar, with serine, which is neutral and polar, at codon 227 of the RPS6KC1 protein (p.Pro227Ser). This variant is present in population databases (rs372361416, gnomAD 0.05%). This variant has not been reported in the literature in individuals affected with RPS6KC1-related conditions. ClinVar contains an entry for this variant (Variation ID: 2184847). An algorithm developed to predict the effect of missense changes on protein structure and function (PolyPhen-2) suggests that this variant is likely to be tolerated. In summary, the available evidence is currently insufficient to determine the role of this variant in disease. Therefore, it has been classified as a Variant of Uncertain Significance.

Ambry Genetics
Classification: Uncertain significance. Last evaluated: 2023-09-25. Review status: criteria provided, single submitter. Criteria: Ambry Variant Classification Scheme 2023. Collection method: clinical testing. Allele origin: germline.

NM_012424.6(RPS6KC1):c.679C>T (p.Pro227Ser)

Gene: RPS6KC1 (ribosomal protein S6 kinase C1; plus strand). Cytogenetic location: 1q32.3.
Variant type: single nucleotide variant.
Coding change: c.679C>T on transcript NM_012424.6 (MANE Select); coding-DNA position 679, C replaced by T.
Protein change: p.Pro227Ser; replaces proline 227 with serine.
Molecular consequence: missense variant. On other transcripts: 5 prime UTR variant (13), non-coding transcript variant (3), intron variant (5).
Genome position (GRCh38, 1-based): chr1:213,129,733, C>T. VCF-style: chr1-213129733-C-T. GRCh37 (hg19) VCF-style: chr1-213303076-C-T.
Other names: c.679C>T (NM_012424.3); c.643C>T, p.Pro215Ser (NM_001136138.4); c.136C>T, p.Pro46Ser (NM_001287218.3, NM_001287219.3, NM_001287221.3 and 7 more transcripts); c.-536C>T (NM_001287220.3, NM_001349666.2, NM_001349667.2 and 4 more transcripts); c.679C>T, p.Pro227Ser (NM_001349646.2); c.-609C>T (NM_001349659.2); c.-529C>T (NM_001349660.2, NM_001349661.2, NM_001349662.2); c.-443C>T (NM_001349664.2, NM_001349670.2); and 5 more; short protein forms P215S, P227S, P46S.
Identifiers: ClinVar variation 2184847 (VCV002184847.5), dbSNP rs372361416, ClinGen allele CA1387236.
Genomic context (GRCh38, chr1:213,129,733, plus strand): 5'-GTTGCTTCTGACAGTGAACAGAGCAAAACAGAAGAAGAACGGGAAAGTCGTAGCCTCTTT[C>T]CTGGCAGTTTAAAGCCGAAGCTTGGCAAGAGAGATTATTTGGAGAAAGCAGGAGAATTAA-3'
Protein context (NP_036556.2, residues 217-237): EEERESRSLF[Pro227Ser]GSLKPKLGKR